The following is an entry in ClinVar:

NM_022489.4(INF2):c.410T>G (p.Val137Gly)

Gene: INF2 (inverted formin 2; plus strand). Cytogenetic location: 14q32.33.
Variant type: single nucleotide variant.
Coding change: c.410T>G on transcript NM_022489.4 (MANE Select); coding-DNA position 410, T replaced by G.
Protein change: p.Val137Gly; replaces valine 137 with glycine.
Molecular consequence: missense variant.
Genome position (GRCh38, 1-based): chr14:104,703,123, T>G. VCF-style: chr14-104703123-T-G. GRCh37 (hg19) VCF-style: chr14-105169460-T-G.
Other names: c.410T>G, p.Val137Gly (NM_001031714.4, NM_032714.3); short protein forms V137G.
Identifiers: ClinVar variation 540049 (VCV000540049.8), dbSNP rs760611306, ClinGen allele CA7372297.
Genomic context (GRCh38, chr14:104,703,123, plus strand): 5'-GGTGCATTGGCCCTGCTGAGCCTGCCCACTCCACCCTGGCAGCCCTGGACACATCCAACG[T>G]GATGGTGAAGAAGCAGGTGTTTGAGCTACTGGCTGCCCTGTGCATCTACTCTCCCGAGGG-3'
Protein context (NP_071934.3, residues 127-147): QLSQALDTSN[Val137Gly]MVKKQVFELL

ClinVar aggregate classification (germline): Uncertain significance. Review status: criteria provided, multiple submitters, no conflicts (2 of 4 stars). 3 submissions from 3 submitters: Uncertain significance (3). Last evaluated 2026-05-26.

Conditions:
INF2-related disorder. Also called: INF2-related condition.
Focal segmental glomerulosclerosis 5 (FSGS5). Identifiers: Orphanet 656, MedGen C2750475, MONDO:0013191, OMIM 613237.
Charcot-Marie-Tooth disease dominant intermediate E. Also called: CHARCOT-MARIE-TOOTH NEUROPATHY WITH FOCAL SEGMENTAL GLOMERULONEPHRITIS. Identifiers: Orphanet 93114, MedGen C4302667, MONDO:0013758, OMIM 614455.

Allele frequency attached by ClinVar (database versions not stated): gnomAD exomes below 0.00001 and 0.00002; gnomAD 0.00001; TOPMed 0.00001; ExAC 0.00002.
gnomAD v4.1: 39 of 1,613,356 alleles (0.0024%); highest among the groups gnomAD compares: Non-Finnish European, 0.003%; no homozygotes.

Submissions (3):

PreventionGenetics, part of Exact Sciences
Classification: Uncertain significance for INF2-related condition. Last evaluated: 2026-05-26. Review status: criteria provided, single submitter. Criteria: ACMG Guidelines, 2015. Collection method: clinical testing. Allele origin: germline.
Comment: The INF2 c.410T>G variant is predicted to result in the amino acid substitution p.Val137Gly. To our knowledge, this variant has not been reported in the literature. This variant is reported in 0.00089% of alleles in individuals of European (Non-Finnish) descent in gnomAD. At this time, the clinical significance of this variant is uncertain due to the absence of conclusive functional and genetic evidence.

Labcorp Genetics (formerly Invitae), Labcorp
Classification: Uncertain significance for Charcot-Marie-Tooth disease dominant intermediate E; Focal segmental glomerulosclerosis 5. Last evaluated: 2026-01-06. Review status: criteria provided, single submitter. Criteria: Invitae Variant Classification Sherloc (09022015). Collection method: clinical testing. Allele origin: germline.
Comment: This sequence change replaces valine, which is neutral and non-polar, with glycine, which is neutral and non-polar, at codon 137 of the INF2 protein (p.Val137Gly). This variant is present in population databases (rs760611306, gnomAD 0.0009%). This variant has not been reported in the literature in individuals affected with INF2-related conditions. ClinVar contains an entry for this variant (Variation ID: 540049). Invitae Evidence Modeling of protein sequence and biophysical properties (such as structural, functional, and spatial information, amino acid conservation, physicochemical variation, residue mobility, and thermodynamic stability) has been performed for this missense variant. However, the output from this modeling did not meet the statistical confidence thresholds required to predict the impact of this variant on INF2 protein function. In summary, the available evidence is currently insufficient to determine the role of this variant in disease. Therefore, it has been classified as a Variant of Uncertain Significance.

Fulgent Genetics
Classification: Uncertain significance for Focal segmental glomerulosclerosis 5; Charcot-Marie-Tooth disease dominant intermediate E. Last evaluated: 2023-12-27. Review status: criteria provided, single submitter. Criteria: ACMG Guidelines, 2015. Collection method: clinical testing. Allele origin: germline.